The following is an entry in ClinVar:

ClinVar aggregate classification (germline): Uncertain significance. Review status: criteria provided, multiple submitters, no conflicts (2 of 4 stars). 2 submissions from 2 submitters: Uncertain significance (2). Last evaluated 2025-10-02.

Conditions:
Inborn genetic diseases. Identifiers: MedGen C0950123, MeSH D030342.
MEGF10-related myopathy (CMYO10A). Also called: Congenital myopathy 10A, severe variant. Identifiers: Orphanet 439212, MedGen C3280679, MONDO:0013731, OMIM 614399.

Allele frequency attached by ClinVar (database versions not stated): gnomAD exomes below 0.00001 and 0.00001; ExAC 0.00001; gnomAD 0.00001; TOPMed 0.00001; ESP Exome Variant Server 0.00008.
gnomAD v4.1: 9 of 1,610,508 alleles (0.00056%); highest among the groups gnomAD compares: Non-Finnish European, 0.00068%; no homozygotes.

Submissions (2):

Labcorp Genetics (formerly Invitae), Labcorp
Classification: Uncertain significance for MEGF10-related myopathy. Last evaluated: 2025-10-02. Review status: criteria provided, single submitter. Criteria: Invitae Variant Classification Sherloc (09022015). Collection method: clinical testing. Allele origin: germline.
Comment: This sequence change replaces glycine, which is neutral and non-polar, with alanine, which is neutral and non-polar, at codon 605 of the MEGF10 protein (p.Gly605Ala). This variant is present in population databases (rs138022464, gnomAD 0.0009%). This variant has not been reported in the literature in individuals affected with MEGF10-related conditions. ClinVar contains an entry for this variant (Variation ID: 1027179). Invitae Evidence Modeling of protein sequence and biophysical properties (such as structural, functional, and spatial information, amino acid conservation, physicochemical variation, residue mobility, and thermodynamic stability) indicates that this missense variant is expected to disrupt MEGF10 protein function with a positive predictive value of 80%. In summary, the available evidence is currently insufficient to determine the role of this variant in disease. Therefore, it has been classified as a Variant of Uncertain Significance.

Ambry Genetics
Classification: Uncertain significance for Inborn genetic diseases. Last evaluated: 2024-11-20. Review status: criteria provided, single submitter. Criteria: Ambry Variant Classification Scheme 2023. Collection method: clinical testing. Allele origin: germline.

NM_001256545.2(MEGF10):c.1814G>C (p.Gly605Ala)

Gene: MEGF10 (multiple EGF like domains 10; plus strand). Cytogenetic location: 5q23.2.
Variant type: single nucleotide variant.
Coding change: c.1814G>C on transcript NM_001256545.2 (MANE Select); coding-DNA position 1814, G replaced by C.
Protein change: p.Gly605Ala; replaces glycine 605 with alanine.
Molecular consequence: missense variant.
Genome position (GRCh38, 1-based): chr5:127,433,483, G>C. VCF-style: chr5-127433483-G-C. GRCh37 (hg19) VCF-style: chr5-126769175-G-C.
Other names: c.1814G>C, p.Gly605Ala (NM_032446.3); c.1814G>C (NM_032446.2); short protein forms G605A.
Identifiers: ClinVar variation 1027179 (VCV001027179.8), dbSNP rs138022464, ClinGen allele CA3391733.